The following is an entry in ClinVar:

ClinVar aggregate classification (germline): Pathogenic. Review status: criteria provided, multiple submitters, no conflicts (2 of 4 stars). 8 submissions from 8 submitters: Pathogenic (7). 1 of the submissions does not count toward it. Last evaluated 2025-06-21.

Conditions:
MEF2C-related disorder. Also called: MEF2C-related condition; MEF2C-related disorders. Identifiers: MedGen CN381096.
Neurodevelopmental disorder. Identifiers: MedGen C1535926, MeSH D065886, MONDO:0700092.
Neurodevelopmental disorder with hypotonia, stereotypic hand movements, and impaired language. Also called: Intellectual disability, autosomal dominant 20. Identifiers: Orphanet 228384, Orphanet 664410, MedGen C3150700, MONDO:0013266, OMIM 613443.

Submissions (8):

GeneDx
Classification: Pathogenic. Last evaluated: 2025-06-21. Review status: criteria provided, single submitter. Criteria: GeneDx Variant Classification Process June 2021. Collection method: clinical testing. Allele origin: germline. Affected: yes.
Comment: Not observed at significant frequency in large population cohorts (gnomAD); Located in a regulatory region; in the absence of functional studies, the actual effect of this sequence change is unknown; This variant is associated with the following publications: (PMID: 34022131, 35850704)

Victorian Clinical Genetics Services, Murdoch Childrens Research Institute
Classification: Pathogenic for Neurodevelopmental disorder with hypotonia, stereotypic hand movements, and impaired language. Last evaluated: 2025-06-16. Review status: criteria provided, single submitter. Criteria: ACMG Guidelines, 2015. Collection method: clinical testing. Allele origin: germline. Affected: yes.
Comment: This variant is classified as Pathogenic. Evidence in support of pathogenic classification: Non-coding variant with predicted effect. This variant is predicted to result in the formation of a novel translation start codon in the 5'UTR resulting in the addition of three amino acids (PMID: 34022131); Variant is absent from gnomAD (v2, v3 and v4); This variant has strong previous evidence of pathogenicity in unrelated individuals. This variant has been classified as pathogenic by multiple clinical laboratories in ClinVar and reported in the literature as de novo in individuals with severe developmental delay (PMID: 34022131); This variant has moderate functional evidence supporting abnormal protein function. A MEF2 binding site-luciferase transactivation assay showed significantly reduced activation of target gene transcription in mutant HL1 cardiomyocytes compared to controls (PMID: 34022131); Additional information: This variant is heterozygous; This gene is associated with autosomal dominant disease; Loss of function is a known mechanism of disease in this gene and is associated with neurodevelopmental disorder with hypotonia, stereotypic hand movements, and impaired language (MIM#613443).

Blueprint Genetics
Classification: Pathogenic for MEF2C-related disorders. Last evaluated: 2024-10-02. Review status: criteria provided, single submitter. Criteria: ACMG Guidelines, 2015. Collection method: clinical testing. Allele origin: de novo. Affected: yes. Observed: 1 variant allele.

Institute of Human Genetics, University of Leipzig Medical Center
Classification: Pathogenic for Neurodevelopmental disorder with hypotonia, stereotypic hand movements, and impaired language. Last evaluated: 2024-09-17. Review status: criteria provided, single submitter. Criteria: ACMG Guidelines, 2015. Collection method: clinical testing. Allele origin: de novo. Inheritance: Autosomal dominant inheritance. Affected: yes.
Comment: Criteria applied: PM2,PS2_VSTR,PS4_MOD,PS3_SUP

Institute of Human Genetics, Clinical Exome/Genome Diagnostics Group, University Hospital Bonn
Classification: Pathogenic for Neurodevelopmental disorder with hypotonia, stereotypic hand movements, and impaired language. Last evaluated: 2023-09-19. Review status: criteria provided, single submitter. Criteria: ACMG Guidelines, 2015. Collection method: clinical testing. Allele origin: de novo. Affected: yes.

CeGaT Center for Human Genetics Tuebingen
Classification: Pathogenic. Last evaluated: 2022-06-01. Review status: criteria provided, single submitter. Criteria: CeGaT Center For Human Genetics Tuebingen Variant Classification Criteria Version 2. Collection method: clinical testing. Allele origin: germline. Affected: yes. Observed: 1 variant allele.
Comment: MEF2C: PS2:Very Strong, PM2, PS4:Moderate, PS3:Supporting

Laboratory of Molecular Genetics (Pr. Bezieau's lab), CHU de Nantes
Classification: Pathogenic for Neurodevelopmental disorder. Last evaluated: 2021-06-11. Review status: criteria provided, single submitter. Criteria: ACMG Guidelines, 2015. Collection method: clinical testing. Allele origin: germline. Affected: yes.

OMIM
Classification: Pathogenic for NEURODEVELOPMENTAL DISORDER WITH HYPOTONIA, STEREOTYPIC HAND MOVEMENTS, AND IMPAIRED LANGUAGE. Last evaluated: 2021-12-02. Review status: no assertion criteria provided. Collection method: literature only. Allele origin: germline. Not counted in ClinVar's aggregate classification.

Literature cited by the submitters: PubMed 34022131 (cited by Victorian Clinical Genetics Services, Murdoch Childrens Research Institute and OMIM).

NM_002397.5(MEF2C):c.-8C>T

Gene: MEF2C (myocyte enhancer factor 2C; minus strand). Cytogenetic location: 5q14.3.
Variant type: single nucleotide variant.
Coding change: c.-8C>T on transcript NM_002397.5 (MANE Select); 8 bases upstream of the start codon, C replaced by T.
Molecular consequence: 5 prime UTR variant.
Genome position (GRCh38, 1-based): chr5:88,823,796, G>A on the plus strand (C>T on the coding strand, the complement: MEF2C is on the minus strand). VCF-style: chr5-88823796-G-A. GRCh37 (hg19) VCF-style: chr5-88119613-G-A.
Other names: -8C-T, 5-PRIME UTR; c.-8C>T (NM_001131005.2, NM_001193347.1, NM_001193348.1 and 30 more transcripts).
Identifiers: ClinVar variation 1202675 (VCV001202675.46), dbSNP rs2153222958, ClinGen allele CA649731386.
Genomic context (GRCh38, chr5:88,823,796, plus strand): 5'-TGTCTGTTACGTTCATCCATAATCCTCGTAATCTGAATCTTTTTTCTCCCCATAGTCCCC[G>A]TTTTTCTTCTCTCTCTCGTCCCTGAAATTATGTATTTTTTCCTTCCTTTTCTTTCTCTTT-3'